The following is an entry in ClinVar:

NM_201384.3(PLEC):c.9452G>A (p.Arg3151His)

Gene: PLEC (plectin; minus strand). Cytogenetic location: 8q24.3.
Variant type: single nucleotide variant.
Coding change: c.9452G>A on transcript NM_201384.3 (MANE Select); coding-DNA position 9452, G replaced by A.
Protein change: p.Arg3151His; replaces arginine 3151 with histidine.
Molecular consequence: missense variant.
Genome position (GRCh38, 1-based): chr8:143,920,369, C>T on the plus strand (G>A on the coding strand, the complement: PLEC is on the minus strand). VCF-style: chr8-143920369-C-T. GRCh37 (hg19) VCF-style: chr8-144994537-C-T.
Other names: c.9533G>A, p.Arg3178His (NM_000445.5); c.9410G>A, p.Arg3137His (NM_201378.4); c.9386G>A, p.Arg3129His (NM_201379.3); c.9863G>A, p.Arg3288His (NM_201380.4); c.9356G>A, p.Arg3119His (NM_201381.3); c.9452G>A, p.Arg3151His (NM_201382.4); c.9464G>A, p.Arg3155His (NM_201383.3); short protein forms R3129H, R3155H, R3178H, R3119H, R3137H, R3151H, R3288H.
Identifiers: ClinVar variation 846553 (VCV000846553.11), dbSNP rs141002386, ClinGen allele CA4924967.

ClinVar aggregate classification (germline): Uncertain significance. Review status: criteria provided, multiple submitters, no conflicts (2 of 4 stars). 2 submissions from 2 submitters: Uncertain significance (2). Last evaluated 2026-03-09.

Conditions:
PLEC-related disorder. Also called: PLEC-related condition; PLEC-related disorders.
Autosomal recessive limb-girdle muscular dystrophy type 2Q (LGMDR17). Also called: MUSCULAR DYSTROPHY, LIMB-GIRDLE, AUTOSOMAL RECESSIVE 17. Identifiers: Orphanet 254361, MedGen C3150989, MONDO:0013390, OMIM 613723.
Epidermolysis bullosa simplex, Ogna type (EBS5A). Also called: Pidermolysis bullosa simplex 5A, Ogna type; EPIDERMOLYSIS BULLOSA SIMPLEX 5A, OGNA TYPE. Identifiers: Orphanet 79401, MedGen C0432317, MONDO:0007555, OMIM 131950.
Epidermolysis bullosa simplex with nail dystrophy (EBS5D). Identifiers: MedGen C4225309, MONDO:0014661, OMIM 616487.
Epidermolysis bullosa simplex 5C, with pyloric atresia (EBS5C). Also called: PLEC-Related Epidermolysis Bullosa with Pyloric Atresia; Epidermolysis bullosa simplex with pyloric atresia; PLEC1-Related Epidermolysis Bullosa with Pyloric Atresia. Identifiers: Orphanet 158684, MedGen C2677349, MONDO:0012807, OMIM 612138.
Epidermolysis bullosa simplex 5B, with muscular dystrophy (EBS5B). Also called: EPIDERMOLYSIS BULLOSA SIMPLEX AND LIMB-GIRDLE MUSCULAR DYSTROPHY; Epidermolysis bullosa simplex with muscular dystrophy. Identifiers: Orphanet 257, MedGen C2931072, MONDO:0009181, OMIM 226670.

Allele frequency attached by ClinVar (database versions not stated): gnomAD 0.00004; TOPMed 0.00004; gnomAD exomes 0.00005 and 0.00006; ESP Exome Variant Server 0.00008; ExAC 0.00014; 1000 Genomes Project 30x 0.00016; 1000 Genomes Project 0.00020.
gnomAD v4.1: 87 of 1,593,488 alleles (0.0055%); highest among the groups gnomAD compares: Non-Finnish European, 0.0068%; no homozygotes.

Submissions (2):

PreventionGenetics, part of Exact Sciences
Classification: Uncertain significance for PLEC-related condition. Last evaluated: 2026-03-09. Review status: criteria provided, single submitter. Criteria: ACMG Guidelines, 2015. Collection method: clinical testing. Allele origin: germline.
Comment: The PLEC c.9533G>A variant is predicted to result in the amino acid substitution p.Arg3178His. To our knowledge, this variant has not been reported in the literature. This variant is reported in 0.010% of alleles in individuals of European (Non-Finnish) descent in gnomAD. At this time, the clinical significance of this variant is uncertain due to the absence of conclusive functional and genetic evidence.

Labcorp Genetics (formerly Invitae), Labcorp
Classification: Uncertain significance for Autosomal recessive limb-girdle muscular dystrophy type 2Q; Epidermolysis bullosa simplex, Ogna type; Epidermolysis bullosa simplex with nail dystrophy; Epidermolysis bullosa simplex 5C, with pyloric atresia; Epidermolysis bullosa simplex 5B, with muscular dystrophy. Last evaluated: 2025-12-19. Review status: criteria provided, single submitter. Criteria: Invitae Variant Classification Sherloc (09022015). Collection method: clinical testing. Allele origin: germline.
Comment: This sequence change replaces arginine, which is basic and polar, with histidine, which is basic and polar, at codon 3178 of the PLEC protein (p.Arg3178His). This variant is present in population databases (rs141002386, gnomAD 0.01%). This variant has not been reported in the literature in individuals affected with PLEC-related conditions. ClinVar contains an entry for this variant (Variation ID: 846553). An algorithm developed to predict the effect of missense changes on protein structure and function (PolyPhen-2) suggests that this variant is likely to be disruptive. In summary, the available evidence is currently insufficient to determine the role of this variant in disease. Therefore, it has been classified as a Variant of Uncertain Significance.